The following is an entry in ClinVar:

NM_000260.4(MYO7A):c.2492del (p.Lys831fs)

Gene: MYO7A (myosin VIIA; plus strand). Cytogenetic location: 11q13.5.
Variant type: Deletion.
Coding change: c.2492del on transcript NM_000260.4 (MANE Select); coding-DNA position 2492, one base deleted (A; older notation c.2492delA).
Protein change: p.Lys831fs; shifts the reading frame from lysine 831.
Molecular consequence: frameshift variant.
Genome position (GRCh38, 1-based): chr11:77,179,859, A deleted; the last of 2 consecutive A bases (chr11:77,179,858-77,179,859); deleting either gives the same sequence. VCF-style (leftmost placement, unchanged base first): chr11-77179857-CA-C. GRCh37 (hg19) VCF-style: chr11-76890903-CA-C.
Other names: c.2492del, p.Lys831fs (NM_001127180.2); c.2459del, p.Lys820fs (NM_001369365.1); short protein forms K820fs, K831fs.
Identifiers: ClinVar variation 5013131 (VCV005013131.1).

ClinVar aggregate classification (germline): Pathogenic (1 of 4 stars; one submission).

Conditions:
Usher syndrome type 1 (USH1). Also called: RETINITIS PIGMENTOSA AND CONGENITAL DEAFNESS. Identifiers: Orphanet 231169, Orphanet 886, MedGen C1568247, MONDO:0010168, OMIM 276900.

Submission:

Myriad Genetics, Inc.
Classification: Pathogenic for Usher syndrome type 1. Last evaluated: 2024-06-01. Review status: criteria provided, single submitter. Criteria: Myriad Autosomal Dominant, Autosomal Recessive and X-Linked Classification Criteria (2023). Collection method: clinical testing. Allele origin: unknown.
Comment: NM_000260.3(MYO7A):c.2492delA(K831Rfs*20) is expected to be pathogenic in the context of MYO7A-related disorders. This variant is predicted to lead to an abnormal or absent protein product due to the creation of a premature termination codon in MYO7A, a gene where loss-of-function variants are known to be pathogenic. Please note: this variant was assessed in the context of healthy population screening.